The following is an entry in ClinVar:

ClinVar aggregate classification (germline): Uncertain significance (1 of 4 stars; one submission).

Submission:

Labcorp Genetics (formerly Invitae), Labcorp
Classification: Uncertain significance. Last evaluated: 2022-01-27. Review status: criteria provided, single submitter. Criteria: Invitae Variant Classification Sherloc (09022015). Collection method: clinical testing. Allele origin: germline.
Comment: This sequence change replaces aspartic acid, which is acidic and polar, with glycine, which is neutral and non-polar, at codon 1093 of the ERCC6 protein (p.Asp1093Gly). This variant is not present in population databases (gnomAD no frequency). This variant has not been reported in the literature in individuals affected with ERCC6-related conditions. Algorithms developed to predict the effect of missense changes on protein structure and function output the following: SIFT: "Tolerated"; PolyPhen-2: "Benign"; Align-GVGD: "Class C0". The glycine amino acid residue is found in multiple mammalian species, which suggests that this missense change does not adversely affect protein function. Algorithms developed to predict the effect of sequence changes on RNA splicing suggest that this variant may create or strengthen a splice site. In summary, the available evidence is currently insufficient to determine the role of this variant in disease. Therefore, it has been classified as a Variant of Uncertain Significance.

NM_000124.4(ERCC6):c.3278A>G (p.Asp1093Gly)

Gene: ERCC6 (ERCC excision repair 6, chromatin remodeling factor; minus strand). Cytogenetic location: 10q11.23.
Variant type: single nucleotide variant.
Coding change: c.3278A>G on transcript NM_000124.4 (MANE Select); coding-DNA position 3278, A replaced by G.
Protein change: p.Asp1093Gly; replaces aspartic acid 1093 with glycine.
Molecular consequence: missense variant.
Genome position (GRCh38, 1-based): chr10:49,470,682, T>C on the plus strand (A>G on the coding strand, the complement: ERCC6 is on the minus strand). VCF-style: chr10-49470682-T-C. GRCh37 (hg19) VCF-style: chr10-50678728-T-C.
Other names: c.3278A>G, p.Asp1093Gly (NM_001346440.2); short protein forms D1093G.
Identifiers: ClinVar variation 1910673 (VCV001910673.2), dbSNP rs2495972767, ClinGen allele CA376715984.